The following is an entry in ClinVar:

NM_006371.5(CRTAP):c.443A>C (p.Tyr148Ser)

Gene: CRTAP (cartilage associated protein; plus strand). Cytogenetic location: 3p22.3.
Variant type: single nucleotide variant.
Coding change: c.443A>C on transcript NM_006371.5 (MANE Select); coding-DNA position 443, A replaced by C.
Protein change: p.Tyr148Ser; replaces tyrosine 148 with serine.
Molecular consequence: missense variant.
Genome position (GRCh38, 1-based): chr3:33,114,520, A>C. VCF-style: chr3-33114520-A-C. GRCh37 (hg19) VCF-style: chr3-33156012-A-C.
Other names: c.443A>C, p.Tyr148Ser (NM_001393363.1, NM_001393364.1, NM_001393365.1); short protein forms Y148S.
Identifiers: ClinVar variation 1687619 (VCV001687619.1), dbSNP rs1185323876, ClinGen allele CA352008858.

ClinVar aggregate classification (germline): Uncertain significance (1 of 4 stars; one submission).

Conditions:
Osteogenesis imperfecta type 7 (OI7). Also called: OI type 7; OI type VII; OSTEOGENESIS IMPERFECTA, TYPE IIB; Osteogenesis imperfecta type 2B; OI type 2B; Osteogenesis imperfecta, perinatal lethal autosomal recessive. Identifiers: MedGen C1853162, MONDO:0012536, OMIM 610682.

gnomAD v4.1: 1 of 1,603,898 alleles (0.000062%); highest among the groups gnomAD compares: African/African-American, 0.0013%; no homozygotes.

Submission:

3billion
Classification: Uncertain significance for Osteogenesis imperfecta type 7. Last evaluated: 2022-05-22. Review status: criteria provided, single submitter. Criteria: ACMG Guidelines, 2015. Collection method: clinical testing. Allele origin: germline. Affected: yes. Observed: 1 heterozygote.
Comment: The variant is not observed in the gnomAD v2.1.1 dataset. . In silico tool predictions suggest damaging effect of the variant on gene or gene product (REVEL: 0.95; 3Cnet: 0.46). Therefore, this variant is classified as uncertain significanceaccording to the recommendation of ACMG/AMP guideline.